The following is an entry in ClinVar:

ClinVar aggregate classification (germline): Pathogenic (1 of 4 stars; one submission).

Conditions:
Familial thoracic aortic aneurysm and aortic dissection (TAAD). Also called: Thoracic aortic aneurysms and dissections. Identifiers: Orphanet 91387, MedGen C4707243, MONDO:0019625.

Submission:

Ambry Genetics
Classification: Pathogenic for Familial thoracic aortic aneurysm and aortic dissection. Last evaluated: 2017-05-10. Review status: criteria provided, single submitter. Criteria: Ambry Variant Classification Scheme 2023. Collection method: clinical testing. Allele origin: germline.
Comment: The p.E2090* pathogenic mutation (also known as c.6268G>T), located in coding exon 50 of the FBN1 gene, results from a G to T substitution at nucleotide position 6268. This changes the amino acid from a glutamic acid to a stop codon within coding exon 50. This alteration is expected to result in loss of function by premature protein truncation or nonsense-mediated mRNA decay. As such, this alteration is interpreted as a disease-causing mutation.

NM_000138.5(FBN1):c.6268G>T (p.Glu2090Ter)

Gene: FBN1 (fibrillin 1; minus strand). Cytogenetic location: 15q21.1.
Variant type: single nucleotide variant.
Coding change: c.6268G>T on transcript NM_000138.5 (MANE Select); coding-DNA position 6268, G replaced by T.
Protein change: p.Glu2090Ter; replaces glutamic acid 2090 with a stop codon.
Molecular consequence: nonsense.
Genome position (GRCh38, 1-based): chr15:48,437,813, C>A on the plus strand (G>T on the coding strand, the complement: FBN1 is on the minus strand). VCF-style: chr15-48437813-C-A. GRCh37 (hg19) VCF-style: chr15-48730010-C-A.
Other names: short protein forms E2090*.
Identifiers: ClinVar variation 519776 (VCV000519776.5), dbSNP rs1304643689, ClinGen allele CA392336984.